The following is an entry in ClinVar:

ClinVar aggregate classification (germline): Uncertain significance (1 of 4 stars; one submission).

Conditions:
Cardiovascular phenotype. Identifiers: MedGen CN230736.

Submission:

Ambry Genetics
Classification: Uncertain significance for Cardiovascular phenotype. Last evaluated: 2026-03-21. Review status: criteria provided, single submitter. Criteria: Ambry Variant Classification Scheme 2023. Collection method: clinical testing. Allele origin: germline.
Comment: The p.D3833A variant (also known as c.11498A>C), located in coding exon 85 of the RYR2 gene, results from an A to C substitution at nucleotide position 11498. The aspartic acid at codon 3833 is replaced by alanine, an amino acid with dissimilar properties. This amino acid position is conserved. In addition, this alteration is predicted to be deleterious by in silico analysis. Based on the available evidence, the clinical significance of this variant remains unclear.

NM_001035.3(RYR2):c.11498A>C (p.Asp3833Ala)

Gene: RYR2 (ryanodine receptor 2; plus strand). Cytogenetic location: 1q43.
Variant type: single nucleotide variant.
Coding change: c.11498A>C on transcript NM_001035.3 (MANE Select); coding-DNA position 11498, A replaced by C.
Protein change: p.Asp3833Ala; replaces aspartic acid 3833 with alanine.
Molecular consequence: missense variant.
Genome position (GRCh38, 1-based): chr1:237,770,828, A>C. VCF-style: chr1-237770828-A-C. GRCh37 (hg19) VCF-style: chr1-237934128-A-C.
Other names: short protein forms D3833A.
Identifiers: ClinVar variation 4863701 (VCV004863701.1).